The following is an entry in ClinVar:

ClinVar aggregate classification (germline): Conflicting classifications of pathogenicity. Review status: criteria provided, conflicting classifications (1 of 4 stars). 3 submissions from 3 submitters: Likely pathogenic (1); Uncertain significance (2). Last evaluated 2026-01-09.

Conditions:
Familial colorectal cancer type X. Identifiers: Orphanet 440437, MedGen C3896578, MONDO:0018604.
Hereditary cancer-predisposing syndrome. Also called: Tumor predisposition; Hereditary Cancer Syndrome; Neoplastic Syndromes, Hereditary; Hereditary neoplastic syndrome. Identifiers: Orphanet 140162, MedGen C0027672, MeSH D009386, MONDO:0015356.

Allele frequency attached by ClinVar (database versions not stated): gnomAD exomes below 0.00001; ExAC 0.00001.
gnomAD v4.1: 1 of 1,614,064 alleles (0.000062%); no homozygotes.

Submissions (3):

Ambry Genetics
Classification: Uncertain significance for Hereditary cancer-predisposing syndrome. Last evaluated: 2026-01-09. Review status: criteria provided, single submitter. Criteria: Ambry Variant Classification Scheme 2023. Collection method: clinical testing. Allele origin: germline.
Comment: The c.4445-2A>G intronic variant results from an A to G substitution two nucleotides upstream from coding exon 35 in the POLE gene. This nucleotide position is highly conserved in available vertebrate species. In silico splice site analysis predicts that this alteration will weaken the native splice acceptor site and may result in the creation or strengthening of a novel splice acceptor site. RNA studies have demonstrated that this alteration results in abnormal splicing in the set of samples tested (Ambry internal data). Although biallelic loss of function of POLE has been associated with autosomal recessive POLE deficiency, haploinsufficiency of POLE has not been established as a mechanism of disease for POLE-related polymerase proofreading-associated polyposis (PPAP) and POLE-related CMMRD-like syndrome. Based on the supporting evidence, this variant is expected to be causative of POLE deficiency when present along with a second pathogenic variant on the other allele; however, its clinical significance for PPAP and POLE-related CMMRD-like syndrome is unclear.

Labcorp Genetics (formerly Invitae), Labcorp
Classification: Likely pathogenic. Last evaluated: 2025-05-28. Review status: criteria provided, single submitter. Criteria: Invitae Variant Classification Sherloc (09022015). Collection method: clinical testing. Allele origin: germline.
Comment: This sequence change affects an acceptor splice site in intron 34 of the POLE gene. It is expected to disrupt RNA splicing. Variants that disrupt the donor or acceptor splice site typically lead to a loss of protein function (PMID: 16199547), and loss-of-function variants in POLE are known to be pathogenic (PMID: 23230001, 25948378, 30503519). This variant is present in population databases (rs766538692, gnomAD no frequency). This variant has not been reported in the literature in individuals affected with POLE-related conditions. ClinVar contains an entry for this variant (Variation ID: 484495). Algorithms developed to predict the effect of sequence changes on RNA splicing suggest that this variant may disrupt the consensus splice site. In summary, the currently available evidence indicates that the variant is pathogenic, but additional data are needed to prove that conclusively. Therefore, this variant has been classified as Likely Pathogenic.

Department of Pathology and Laboratory Medicine, Sinai Health System
Classification: Uncertain significance for Familial colorectal cancer type X. Last evaluated: 2023-12-11. Review status: criteria provided, single submitter. Criteria: ACMG Guidelines, 2015. Collection method: clinical testing. Allele origin: germline. Affected: yes.

Literature cited by the submitters: PubMed 16199547 (cited by Labcorp Genetics (formerly Invitae), Labcorp); PubMed 23230001 (cited by Labcorp Genetics (formerly Invitae), Labcorp); PubMed 25948378 (cited by Labcorp Genetics (formerly Invitae), Labcorp); PubMed 30503519 (cited by Labcorp Genetics (formerly Invitae), Labcorp).

NM_006231.4(POLE):c.4445-2A>G

Gene: POLE (DNA polymerase epsilon, catalytic subunit; minus strand). Cytogenetic location: 12q24.33.
Variant type: single nucleotide variant.
Coding change: c.4445-2A>G on transcript NM_006231.4 (MANE Select); the canonical splice acceptor site of the intron before coding-DNA position 4445, A replaced by G.
Molecular consequence: splice acceptor variant.
Genome position (GRCh38, 1-based): chr12:132,643,332, T>C on the plus strand (A>G on the coding strand, the complement: POLE is on the minus strand). VCF-style: chr12-132643332-T-C. GRCh37 (hg19) VCF-style: chr12-133219918-T-C.
Identifiers: ClinVar variation 484495 (VCV000484495.13), dbSNP rs766538692, ClinGen allele CA6892838.